The following is an entry in ClinVar:

ClinVar aggregate classification (germline): Conflicting classifications of pathogenicity. Review status: criteria provided, conflicting classifications (1 of 4 stars). 6 submissions from 6 submitters: Uncertain significance (3); Likely benign (2). 1 of the submissions does not count toward it. Last evaluated 2026-05-10.

Conditions:
USH2A-related disorder. Also called: USH2A-related disorders; USH2A-related condition. Identifiers: MedGen CN239332.
Inborn genetic diseases. Identifiers: MedGen C0950123, MeSH D030342.
Usher syndrome type 2A. Also called: USHER SYNDROME, TYPE IIA; RETINAL DISEASE IN USHER SYNDROME TYPE IIA, MODIFIER OF. Identifiers: Orphanet 231178, Orphanet 886, MedGen C1848634, MONDO:0010169, OMIM 276901.

Allele frequency attached by ClinVar (database versions not stated): gnomAD exomes 0.00014; ExAC 0.00021; TOPMed 0.00046; 1000 Genomes Project 30x 0.00047; gnomAD 0.00052 and 0.00054; 1000 Genomes Project 0.00060; ESP Exome Variant Server 0.00092.
gnomAD v4.1: 127 of 1,613,898 alleles (0.0079%); highest among the groups gnomAD compares: African/African-American, 0.16%; no homozygotes.

Submissions (6):

Ambry Genetics
Classification: Uncertain significance for Inborn genetic diseases. Last evaluated: 2026-05-10. Review status: criteria provided, single submitter. Criteria: Ambry Variant Classification Scheme 2023. Collection method: clinical testing. Allele origin: germline.

Labcorp Genetics (formerly Invitae), Labcorp
Classification: Likely benign. Last evaluated: 2026-01-21. Review status: criteria provided, single submitter. Criteria: Invitae Variant Classification Sherloc (09022015). Collection method: clinical testing. Allele origin: germline.

PreventionGenetics, part of Exact Sciences
Classification: Likely benign for USH2A-related condition. Last evaluated: 2024-10-16. Review status: criteria provided, single submitter. Criteria: ACMG Guidelines, 2015. Collection method: clinical testing. Allele origin: germline.
Comment: This variant is classified as likely benign based on ACMG/AMP sequence variant interpretation guidelines (Richards et al. 2015 PMID: 25741868, with internal and published modifications).

Blueprint Genetics
Classification: Uncertain significance. Last evaluated: 2021-05-26. Review status: criteria provided, single submitter. Criteria: ACMG Guidelines, 2015. Collection method: clinical testing. Allele origin: germline.

Eurofins Ntd Llc (ga)
Classification: Uncertain significance. Last evaluated: 2017-04-20. Review status: criteria provided, single submitter. Criteria: EGL Classification Definitions 2015. Collection method: clinical testing. Allele origin: germline. Observed: 1 variant allele, 1 heterozygote.

Natera, Inc.
Classification: Likely benign for Usher syndrome type 2A. Last evaluated: 2020-07-02. Review status: no assertion criteria provided. Collection method: clinical testing. Allele origin: germline. Not counted in ClinVar's aggregate classification.

NM_206933.4(USH2A):c.13343A>G (p.Asp4448Gly)

Gene: USH2A (usherin; minus strand). Cytogenetic location: 1q41.
Variant type: single nucleotide variant.
Coding change: c.13343A>G on transcript NM_206933.4 (MANE Select); coding-DNA position 13343, A replaced by G.
Protein change: p.Asp4448Gly; replaces aspartic acid 4448 with glycine.
Molecular consequence: missense variant.
Genome position (GRCh38, 1-based): chr1:215,674,568, T>C on the plus strand (A>G on the coding strand, the complement: USH2A is on the minus strand). VCF-style: chr1-215674568-T-C. GRCh37 (hg19) VCF-style: chr1-215847910-T-C.
Other names: short protein forms D4448G.
Identifiers: ClinVar variation 501245 (VCV000501245.20), dbSNP rs150532013, ClinGen allele CA1393308.
Genomic context (GRCh38, chr1:215,674,568, plus strand): 5'-CTTGGAGGTTTCCAGGTGATTTCTATTGATTCTGAGCCTGTGACTTGCAATGTTGGAGAG[T>C]CCATGTTCTCTGGCAGGGCCTCCATTGTCCAGGCAGATTTTGACACACTAGCTGTGCAAC-3'
Protein context (NP_996816.3, residues 4438-4458): WTMEALPENM[Asp4448Gly]SPTLQVTGSE